The following is an entry in ClinVar:

ClinVar aggregate classification (germline): Uncertain significance (1 of 4 stars; one submission).

Conditions:
Joubert syndrome. Also called: CEREBELLOPARENCHYMAL DISORDER IV; JOUBERT-BOLTSHAUSER SYNDROME; Familial aplasia of the vermis. Identifiers: Orphanet 475, MedGen C5979921, MONDO:0018772.

Allele frequency attached by ClinVar (database versions not stated): gnomAD exomes below 0.00001.
gnomAD v4.1: 2 of 1,604,526 alleles (0.00012%); highest among the groups gnomAD compares: Non-Finnish European, 0.00017%; no homozygotes.

Submission:

Labcorp Genetics (formerly Invitae), Labcorp
Classification: Uncertain significance for Joubert syndrome. Last evaluated: 2022-06-20. Review status: criteria provided, single submitter. Criteria: Invitae Variant Classification Sherloc (09022015). Collection method: clinical testing. Allele origin: germline.
Comment: In summary, the available evidence is currently insufficient to determine the role of this variant in disease. Therefore, it has been classified as a Variant of Uncertain Significance. Advanced modeling of protein sequence and biophysical properties (such as structural, functional, and spatial information, amino acid conservation, physicochemical variation, residue mobility, and thermodynamic stability) performed at Invitae indicates that this missense variant is not expected to disrupt AHI1 protein function. This variant has not been reported in the literature in individuals affected with AHI1-related conditions. This variant is present in population databases (no rsID available, gnomAD 0.0009%). This sequence change replaces asparagine, which is neutral and polar, with aspartic acid, which is acidic and polar, at codon 934 of the AHI1 protein (p.Asn934Asp).

NM_001134831.2(AHI1):c.2800A>G (p.Asn934Asp)

Gene: AHI1 (Abelson helper integration site 1; minus strand). Cytogenetic location: 6q23.3.
Variant type: single nucleotide variant.
Coding change: c.2800A>G on transcript NM_001134831.2 (MANE Select); coding-DNA position 2800, A replaced by G.
Protein change: p.Asn934Asp; replaces asparagine 934 with aspartic acid.
Molecular consequence: missense variant.
Genome position (GRCh38, 1-based): chr6:135,411,509, T>C on the plus strand (A>G on the coding strand, the complement: AHI1 is on the minus strand). VCF-style: chr6-135411509-T-C. GRCh37 (hg19) VCF-style: chr6-135732647-T-C.
Other names: c.2800A>G, p.Asn934Asp (NM_001134830.2, NM_001134832.2, NM_001350503.2 and 2 more transcripts); short protein forms N934D.
Identifiers: ClinVar variation 1399230 (VCV001399230.9), dbSNP rs1365944374, ClinGen allele CA365846176.